The following is an entry in ClinVar:

NM_007103.4(NDUFV1):c.1001C>T (p.Thr334Met)

Gene: NDUFV1 (NADH:ubiquinone oxidoreductase core subunit V1; plus strand). Cytogenetic location: 11q13.2.
Variant type: single nucleotide variant.
Coding change: c.1001C>T on transcript NM_007103.4 (MANE Select); coding-DNA position 1001, C replaced by T.
Protein change: p.Thr334Met; replaces threonine 334 with methionine.
Molecular consequence: missense variant.
Genome position (GRCh38, 1-based): chr11:67,611,490, C>T. VCF-style: chr11-67611490-C-T. GRCh37 (hg19) VCF-style: chr11-67378961-C-T.
Other names: c.974C>T, p.Thr325Met (NM_001166102.2); c.1001C>T (NM_007103.3); short protein forms T334M, T325M.
Identifiers: ClinVar variation 1449895 (VCV001449895.9), dbSNP rs773211506, ClinGen allele CA6143356.

ClinVar aggregate classification (germline): Uncertain significance. Review status: criteria provided, multiple submitters, no conflicts (2 of 4 stars). 2 submissions from 2 submitters: Uncertain significance (2). Last evaluated 2025-04-22.

Conditions:
Inborn genetic diseases. Identifiers: MedGen C0950123, MeSH D030342.

Allele frequency attached by ClinVar (database versions not stated): TOPMed below 0.00001; gnomAD 0.00001; gnomAD exomes 0.00002; ExAC 0.00003.
gnomAD v4.1: 26 of 1,613,826 alleles (0.0016%); highest among the groups gnomAD compares: South Asian, 0.0066%; no homozygotes.

Submissions (2):

Labcorp Genetics (formerly Invitae), Labcorp
Classification: Uncertain significance. Last evaluated: 2025-04-22. Review status: criteria provided, single submitter. Criteria: Invitae Variant Classification Sherloc (09022015). Collection method: clinical testing. Allele origin: germline.
Comment: This sequence change replaces threonine, which is neutral and polar, with methionine, which is neutral and non-polar, at codon 334 of the NDUFV1 protein (p.Thr334Met). This variant is present in population databases (rs773211506, gnomAD 0.01%). This variant has not been reported in the literature in individuals affected with NDUFV1-related conditions. ClinVar contains an entry for this variant (Variation ID: 1449895). Invitae Evidence Modeling of protein sequence and biophysical properties (such as structural, functional, and spatial information, amino acid conservation, physicochemical variation, residue mobility, and thermodynamic stability) has been performed for this missense variant. However, the output from this modeling did not meet the statistical confidence thresholds required to predict the impact of this variant on NDUFV1 protein function. In summary, the available evidence is currently insufficient to determine the role of this variant in disease. Therefore, it has been classified as a Variant of Uncertain Significance.

Ambry Genetics
Classification: Uncertain significance for Inborn genetic diseases. Last evaluated: 2021-08-02. Review status: criteria provided, single submitter. Criteria: Ambry Variant Classification Scheme 2023. Collection method: clinical testing. Allele origin: germline.